The following is an entry in ClinVar:

NM_001723.7(DST):c.7054G>A (p.Val2352Met)

Gene: DST (dystonin; minus strand). Cytogenetic location: 6p12.1.
Variant type: single nucleotide variant.
Coding change: c.7054G>A on transcript NM_001723.7 (MANE Plus Clinical); coding-DNA position 7054, G replaced by A.
Protein change: p.Val2352Met; replaces valine 2352 with methionine.
Molecular consequence: missense variant. On other transcripts: intron variant (10).
Genome position (GRCh38, 1-based): chr6:56,616,413, C>T on the plus strand (G>A on the coding strand, the complement: DST is on the minus strand). VCF-style: chr6-56616413-C-T. GRCh37 (hg19) VCF-style: chr6-56481211-C-T.
Other names: c.4831-1929G>A (NM_001144769.5); c.4930-1929G>A (NM_001374722.1, NM_001374736.1); c.4957-1929G>A (NM_001374734.1); c.4417-1929G>A (NM_001144770.2); c.4297-1929G>A (NM_001374730.1, NM_001386100.1, NM_183380.4 and 1 more transcripts); c.3319-1929G>A (NM_015548.5); short protein forms V2352M.
Identifiers: ClinVar variation 939700 (VCV000939700.8), dbSNP rs200347043, ClinGen allele CA3870036.

ClinVar aggregate classification (germline): Uncertain significance. Review status: criteria provided, multiple submitters, no conflicts (2 of 4 stars). 2 submissions from 2 submitters: Uncertain significance (2). Last evaluated 2026-03-06.

Conditions:
Epidermolysis bullosa simplex 3, localized or generalized intermediate, with BP230 deficiency (EBS3). Also called: Epidermolysis bullosa simplex, autosomal recessive 2; Epidermolysis bullosa simplex due to BP230 deficiency. Identifiers: Orphanet 412181, MedGen C3809470, MONDO:0014180, OMIM 615425.
Hereditary sensory and autonomic neuropathy type 6. Also called: HSAN VI; Neuropathy, hereditary sensory and autonomic, type VI. Identifiers: Orphanet 314381, MedGen C3539003, MONDO:0013839, OMIM 614653.
DST-related disorder. Also called: DST-related condition; DST-related disorders.

Allele frequency attached by ClinVar (database versions not stated): ExAC 0.00001; gnomAD exomes 0.00002; TOPMed 0.00006; gnomAD 0.00012.
gnomAD v4.1: 59 of 1,613,946 alleles (0.0037%); highest among the groups gnomAD compares: Middle Eastern, 0.033%; no homozygotes.

Submissions (2):

PreventionGenetics, part of Exact Sciences
Classification: Uncertain significance for DST-related condition. Last evaluated: 2026-03-06. Review status: criteria provided, single submitter. Criteria: ACMG Guidelines, 2015. Collection method: clinical testing. Allele origin: germline.
Comment: The DST c.7054G>A variant is predicted to result in the amino acid substitution p.Val2352Met. To our knowledge, this variant has not been reported in the literature. This variant is reported in 0.024% of alleles in individuals of African descent in gnomAD. At this time, the clinical significance of this variant is uncertain due to the absence of conclusive functional and genetic evidence.

Labcorp Genetics (formerly Invitae), Labcorp
Classification: Uncertain significance for Epidermolysis bullosa simplex 3, localized or generalized intermediate, with BP230 deficiency; Hereditary sensory and autonomic neuropathy type 6. Last evaluated: 2022-08-23. Review status: criteria provided, single submitter. Criteria: Invitae Variant Classification Sherloc (09022015). Collection method: clinical testing. Allele origin: germline.
Comment: This sequence change replaces valine, which is neutral and non-polar, with methionine, which is neutral and non-polar, at codon 2352 of the DST protein (p.Val2352Met). This variant is present in population databases (rs200347043, gnomAD 0.02%). This variant has not been reported in the literature in individuals affected with DST-related conditions. ClinVar contains an entry for this variant (Variation ID: 939700). Algorithms developed to predict the effect of missense changes on protein structure and function are either unavailable or do not agree on the potential impact of this missense change (SIFT: "Deleterious"; PolyPhen-2: "Benign"; Align-GVGD: "Class C0"). In summary, the available evidence is currently insufficient to determine the role of this variant in disease. Therefore, it has been classified as a Variant of Uncertain Significance.